The following is an entry in ClinVar:

NM_130839.5(UBE3A):c.1791G>A (p.Trp597Ter)

Genes: SNHG14 (small nucleolar RNA host gene 14; plus strand), UBE3A (ubiquitin protein ligase E3A; minus strand). Cytogenetic location: 15q11.2.
Variant type: single nucleotide variant.
Coding change: c.1791G>A on transcript NM_130839.5 (MANE Select); coding-DNA position 1791, G replaced by A.
Protein change: p.Trp597Ter; replaces tryptophan 597 with a stop codon.
Molecular consequence: nonsense. On other transcripts: non-coding transcript variant (1).
Genome position (GRCh38, 1-based): chr15:25,356,859, C>T on the plus strand (G>A on the coding strand, the complement: UBE3A is on the minus strand). VCF-style: chr15-25356859-C-T. GRCh37 (hg19) VCF-style: chr15-25602006-C-T.
Other names: c.1800G>A, p.Trp600Ter (NM_000462.5); c.1791G>A, p.Trp597Ter (NM_001354505.1, NM_001354538.2, NM_001354545.2); c.1731G>A, p.Trp577Ter (NM_001354506.2, NM_001354507.2, NM_001354508.2 and 17 more transcripts); c.1614G>A, p.Trp538Ter (NM_001354546.2); c.540G>A, p.Trp180Ter (NM_001354550.2); c.480G>A, p.Trp160Ter (NM_001354551.2); short protein forms W160*, W180*, W538*, W577*, W597*, W600*.
Identifiers: ClinVar variation 3340691 (VCV003340691.1).

ClinVar aggregate classification (germline): Pathogenic (1 of 4 stars; one submission).

Submission:

GeneDx
Classification: Pathogenic. Last evaluated: 2024-02-26. Review status: criteria provided, single submitter. Criteria: GeneDx Variant Classification Process June 2021. Collection method: clinical testing. Allele origin: germline. Affected: yes.
Comment: Nonsense variant predicted to result in protein truncation or nonsense mediated decay in a gene for which loss of function is a known mechanism of disease; Not observed at significant frequency in large population cohorts (gnomAD); This variant is associated with the following publications: (PMID: 32879944, 29250725)